The following is an entry in ClinVar:

NM_014797.3(ZBTB24):c.1120+1G>A

Gene: ZBTB24 (zinc finger and BTB domain containing 24; minus strand). Cytogenetic location: 6q21.
Variant type: single nucleotide variant.
Coding change: c.1120+1G>A on transcript NM_014797.3 (MANE Select); the canonical splice donor site of the intron after coding-DNA position 1120, G replaced by A.
Molecular consequence: splice donor variant.
Genome position (GRCh38, 1-based): chr6:109,476,762, C>T on the plus strand (G>A on the coding strand, the complement: ZBTB24 is on the minus strand). VCF-style: chr6-109476762-C-T. GRCh37 (hg19) VCF-style: chr6-109797965-C-T.
Identifiers: ClinVar variation 1805123 (VCV001805123.1), dbSNP rs2482871841, ClinGen allele CA365203599.

ClinVar aggregate classification (germline): Likely pathogenic (1 of 4 stars; one submission).

Conditions:
Immunodeficiency-centromeric instability-facial anomalies syndrome 2 (ICF2). Identifiers: Orphanet 2268, MedGen C3279748, MONDO:0013553, OMIM 614069.

Submission:

Victorian Clinical Genetics Services, Murdoch Childrens Research Institute
Classification: Likely pathogenic for Immunodeficiency-centromeric instability-facial anomalies syndrome 2. Last evaluated: 2022-02-02. Review status: criteria provided, single submitter. Criteria: ACMG Guidelines, 2015. Collection method: clinical testing. Allele origin: germline. Inheritance: Autosomal recessive inheritance.
Comment: Based on the classification scheme VCGS_Germline_v1.3.4, this variant is classified as Likely pathogenic. Following criteria are met: 0102 - Loss of function is a known mechanism of disease in this gene and is associated with immunodeficiency-centromeric instability-facial anomalies syndrome 2 (MIM#614069). (I) 0106 - This gene is associated with autosomal recessive disease. (I) 0211 - Canonical splice site variant without proven consequence on splicing (no functional evidence available). (SP) 0251 - This variant is heterozygous. (I) 0301 - Variant is absent from gnomAD (both v2 and v3). (SP) 0311 - An alternative nucleotide change at the same canonical splice site is present in gnomAD (v2) at a frequency of 0.00003298 (1 heterozygote, 0 homozygotes). (SB) 0505 - Abnormal splicing is predicted by in silico tools and affected nucleotide is highly conserved. (SP) 0705 - No comparable splice site variants have previous evidence for pathogenicity. (I) 0807 - This variant has no previous evidence of pathogenicity. (I) 0905 - No published segregation evidence has been identified for this variant. (I) 1007 - No published functional evidence has been identified for this variant. (I) 1208 - Inheritance information for this variant is not currently available in this individual. (I) Legend: (SP) - Supporting pathogenic, (I) - Information, (SB) - Supporting benign